The following is an entry in ClinVar:

NM_013275.6(ANKRD11):c.6168C>G (p.Tyr2056Ter)

Gene: ANKRD11 (ankyrin repeat domain 11; minus strand). Cytogenetic location: 16q24.3.
Variant type: single nucleotide variant.
Coding change: c.6168C>G on transcript NM_013275.6 (MANE Select); coding-DNA position 6168, C replaced by G.
Protein change: p.Tyr2056Ter; replaces tyrosine 2056 with a stop codon.
Molecular consequence: nonsense.
Genome position (GRCh38, 1-based): chr16:89,280,374, G>C on the plus strand (C>G on the coding strand, the complement: ANKRD11 is on the minus strand). VCF-style: chr16-89280374-G-C. GRCh37 (hg19) VCF-style: chr16-89346782-G-C.
Other names: c.6168C>G, p.Tyr2056Ter (NM_001256182.2, NM_001256183.2); short protein forms Y2056*.
Identifiers: ClinVar variation 3237169 (VCV003237169.2), dbSNP rs535355840.

ClinVar aggregate classification (germline): Likely pathogenic (0 of 4 stars; one submission).

Conditions:
KBG syndrome (KBGS). Also called: ANKRD11-Related KBG Syndrome. Identifiers: Orphanet 2332, MedGen C0220687, MONDO:0007846, OMIM 148050.

Submission:

The Purple Gene Clinic, Mumbai
Classification: Likely pathogenic for KBG syndrome. Last evaluated: 2024-05-29. Review status: no assertion criteria provided. Collection method: clinical testing. Allele origin: unknown. Inheritance: Autosomal dominant inheritance. Affected: yes. Observed: 1 heterozygote.
Comment: This sequence change creates a stop codon, resulting in premature truncation of the ANKRD11 protein. This variant is absent in the gnomAD database and has not been reported in the literature in individuals with ANKRD11-related conditions. Loss-of-function variants in ANKRD11 are known to be pathogenic (PMID: 38515699, 37800809, 37226940). For these reasons, this variant has been classified as likely pathogenic.